The following is an entry in ClinVar:

NM_001114753.3(ENG):c.1672G>C (p.Gly558Arg)

Genes: ENG (endoglin; minus strand), LOC102723566 (uncharacterized LOC102723566; plus strand). Cytogenetic location: 9q34.11.
Variant type: single nucleotide variant.
Coding change: c.1672G>C on transcript NM_001114753.3 (MANE Select); coding-DNA position 1672, G replaced by C.
Protein change: p.Gly558Arg; replaces glycine 558 with arginine.
Molecular consequence: missense variant.
Genome position (GRCh38, 1-based): chr9:127,818,134, C>G on the plus strand (G>C on the coding strand, the complement: ENG is on the minus strand). VCF-style: chr9-127818134-C-G. GRCh37 (hg19) VCF-style: chr9-130580413-C-G.
Other names: c.1672G>C, p.Gly558Arg (NM_000118.4); c.1126G>C, p.Gly376Arg (NM_001278138.2); short protein forms G376R, G558R.
Identifiers: ClinVar variation 2236167 (VCV002236167.3), dbSNP rs373230507, ClinGen allele CA374974014.
Genomic context (GRCh38, chr9:127,818,134, plus strand): 5'-CTGGAAGCTCCCACTTGAAGCTGGGGCCGGCCCAGGCCCCACTCACCTGGTCTTGAGACC[C>G]GGTCTTGGGACGCAGGGCTACCGTGCAGCTGAGGGTGCCGGTTTTGGGTATGGGTACTGT-3'
Protein context (NP_001108225.1, residues 548-568): SCTVALRPKT[Gly558Arg]SQDQEVHRTV

ClinVar aggregate classification (germline): Uncertain significance (1 of 4 stars; one submission).

Conditions:
Cardiovascular phenotype. Identifiers: MedGen CN230736.

Submission:

Ambry Genetics
Classification: Uncertain significance for Cardiovascular phenotype. Last evaluated: 2026-09-11. Review status: criteria provided, single submitter. Criteria: Ambry Variant Classification Scheme 2023. Collection method: clinical testing. Allele origin: germline.
Comment: The p.G558R variant (also known as c.1672G>C), located in coding exon 12 of the ENG gene, results from a G to C substitution at nucleotide position 1672. The glycine at codon 558 is replaced by arginine, an amino acid with dissimilar properties. This amino acid position is conserved. In addition, this alteration is predicted to be tolerated by in silico analysis. Based on the available evidence, the clinical significance of this variant remains unclear.